The following is an entry in ClinVar:

ClinVar aggregate classification (germline): Uncertain significance (1 of 4 stars; one submission).

Allele frequency attached by ClinVar (database versions not stated): gnomAD 0.00002; gnomAD exomes 0.00002; TOPMed 0.00003; ExAC 0.00004; ESP Exome Variant Server 0.00008.
gnomAD v4.1: 35 of 1,612,826 alleles (0.0022%); highest among the groups gnomAD compares: East Asian, 0.0067%; no homozygotes.

Submission:

Labcorp Genetics (formerly Invitae), Labcorp
Classification: Uncertain significance. Last evaluated: 2025-08-26. Review status: criteria provided, single submitter. Criteria: Invitae Variant Classification Sherloc (09022015). Collection method: clinical testing. Allele origin: germline.
Comment: This sequence change falls in intron 16 of the PRPF6 gene. It does not directly change the encoded amino acid sequence of the PRPF6 protein. It affects a nucleotide within the consensus splice site. This variant is present in population databases (rs372464535, gnomAD 0.01%). This variant has not been reported in the literature in individuals affected with PRPF6-related conditions. ClinVar contains an entry for this variant (Variation ID: 1981481). Variants that disrupt the consensus splice site are a relatively common cause of aberrant splicing (PMID: 17576681, 9536098). Algorithms developed to predict the effect of sequence changes on RNA splicing suggest that this variant is not likely to affect RNA splicing. In summary, the available evidence is currently insufficient to determine the role of this variant in disease. Therefore, it has been classified as a Variant of Uncertain Significance.

Literature cited by the submitters: PubMed 17576681; PubMed 9536098.

NM_012469.4(PRPF6):c.2205+3A>G

Gene: PRPF6 (pre-mRNA processing factor 6; plus strand). Cytogenetic location: 20q13.33.
Variant type: single nucleotide variant.
Coding change: c.2205+3A>G on transcript NM_012469.4 (MANE Select); 3 bases into the intron after coding-DNA position 2205, A replaced by G.
Molecular consequence: intron variant.
Genome position (GRCh38, 1-based): chr20:64,027,161, A>G. VCF-style: chr20-64027161-A-G. GRCh37 (hg19) VCF-style: chr20-62658514-A-G.
Identifiers: ClinVar variation 1981481 (VCV001981481.4), dbSNP rs372464535, ClinGen allele CA9972386.